The following is an entry in ClinVar:

NM_057175.5(NAA15):c.1896T>G (p.Asp632Glu)

Gene: NAA15 (N-alpha-acetyltransferase 15, NatA auxiliary subunit; plus strand). Cytogenetic location: 4q31.1.
Variant type: single nucleotide variant.
Coding change: c.1896T>G on transcript NM_057175.5 (MANE Select); coding-DNA position 1896, T replaced by G.
Protein change: p.Asp632Glu; replaces aspartic acid 632 with glutamic acid.
Molecular consequence: missense variant.
Genome position (GRCh38, 1-based): chr4:139,370,353, T>G. VCF-style: chr4-139370353-T-G. GRCh37 (hg19) VCF-style: chr4-140291507-T-G.
Other names: c.1896T>G, p.Asp632Glu (NM_001410842.1); c.*305T>G (NM_025085.2); short protein forms D632E.
Identifiers: ClinVar variation 3171207 (VCV003171207.3), dbSNP rs759801535, ClinGen allele CA3083722.

ClinVar aggregate classification (germline): Uncertain significance. Review status: criteria provided, multiple submitters, no conflicts (2 of 4 stars). 2 submissions from 2 submitters: Uncertain significance (2). Last evaluated 2025-08-27.

Conditions:
Inborn genetic diseases. Identifiers: MedGen C0950123, MeSH D030342.

Allele frequency attached by ClinVar (database versions not stated): gnomAD exomes 0.00004; ExAC 0.00003; gnomAD 0.00003.
gnomAD v4.1: 68 of 1,593,110 alleles (0.0043%); highest among the groups gnomAD compares: East Asian, 0.0067%; no homozygotes.

Submissions (2):

Labcorp Genetics (formerly Invitae), Labcorp
Classification: Uncertain significance. Last evaluated: 2025-08-27. Review status: criteria provided, single submitter. Criteria: Invitae Variant Classification Sherloc (09022015). Collection method: clinical testing. Allele origin: germline.
Comment: This sequence change replaces aspartic acid, which is acidic and polar, with glutamic acid, which is acidic and polar, at codon 632 of the NAA15 protein (p.Asp632Glu). This variant is present in population databases (rs759801535, gnomAD 0.01%). This variant has not been reported in the literature in individuals affected with NAA15-related conditions. ClinVar contains an entry for this variant (Variation ID: 3171207). An algorithm developed to predict the effect of missense changes on protein structure and function (PolyPhen-2) suggests that this variant is likely to be tolerated. In summary, the available evidence is currently insufficient to determine the role of this variant in disease. Therefore, it has been classified as a Variant of Uncertain Significance.

Ambry Genetics
Classification: Uncertain significance for Inborn genetic diseases. Last evaluated: 2023-12-27. Review status: criteria provided, single submitter. Criteria: Ambry Variant Classification Scheme 2023. Collection method: clinical testing. Allele origin: germline.